The following is an entry in ClinVar:

NM_005228.5(EGFR):c.2019C>G (p.Ile673Met)

Gene: EGFR (epidermal growth factor receptor; plus strand). Cytogenetic location: 7p11.2.
Variant type: single nucleotide variant.
Coding change: c.2019C>G on transcript NM_005228.5 (MANE Select); coding-DNA position 2019, C replaced by G.
Protein change: p.Ile673Met; replaces isoleucine 673 with methionine.
Molecular consequence: missense variant.
Genome position (GRCh38, 1-based): chr7:55,173,082, C>G. VCF-style: chr7-55173082-C-G. GRCh37 (hg19) VCF-style: chr7-55240775-C-G.
Other names: c.1884C>G, p.Ile628Met (NM_001346897.2, NM_001346899.2); c.2019C>G, p.Ile673Met (NM_001346898.2); c.1860C>G, p.Ile620Met (NM_001346900.2); c.1218C>G, p.Ile406Met (NM_001346941.2); short protein forms I406M, I620M, I628M, I673M.
Identifiers: ClinVar variation 1715282 (VCV001715282.5), dbSNP rs763193362, ClinGen allele CA367583162.

ClinVar aggregate classification (germline): Uncertain significance (1 of 4 stars; one submission).

Conditions:
EGFR-related lung cancer (EGFR). Identifiers: MedGen CN130014.

gnomAD v4.1: 1 of 1,612,952 alleles (0.000062%); no homozygotes.

Submission:

Labcorp Genetics (formerly Invitae), Labcorp
Classification: Uncertain significance for EGFR-related lung cancer. Last evaluated: 2022-10-10. Review status: criteria provided, single submitter. Criteria: Invitae Variant Classification Sherloc (09022015). Collection method: clinical testing. Allele origin: germline.
Comment: This sequence change replaces isoleucine, which is neutral and non-polar, with methionine, which is neutral and non-polar, at codon 673 of the EGFR protein (p.Ile673Met). This variant is not present in population databases (gnomAD no frequency). This variant has not been reported in the literature in individuals affected with EGFR-related conditions. Advanced modeling of protein sequence and biophysical properties (such as structural, functional, and spatial information, amino acid conservation, physicochemical variation, residue mobility, and thermodynamic stability) performed at Invitae indicates that this missense variant is not expected to disrupt EGFR protein function. In summary, the available evidence is currently insufficient to determine the role of this variant in disease. Therefore, it has been classified as a Variant of Uncertain Significance.